The following is an entry in ClinVar:

NM_000510.2(FSHB):c.-280G>T

Genes: ARL14EP-DT (ARL14EP divergent transcript; minus strand), FSHB (follicle stimulating hormone subunit beta; plus strand). Cytogenetic location: 11p14.1.
Variant type: single nucleotide variant.
Coding change: c.-280G>T on transcript NM_000510.2; 280 bases upstream of the start codon, G replaced by T.
Genome position (GRCh38, 1-based): chr11:30,230,805, G>T. VCF-style: chr11-30230805-G-T. GRCh37 (hg19) VCF-style: chr11-30252352-G-T.
Identifiers: ClinVar variation 139460 (VCV000139460.6), dbSNP rs10835638, ClinGen allele CA163224.

ClinVar aggregate classification (germline): association (0 of 4 stars; one submission).

Conditions:
Hypogonadotropic hypogonadism 24 without anosmia (HH24). Also called: Follicle-stimulating hormone deficiency, isolated; HYPOGONADOTROPIC HYPOGONADISM 24 WITH OR WITHOUT ANOSMIA. Identifiers: Orphanet 52901, MedGen C5574957, MONDO:0009239, OMIM 229070.

Allele frequency attached by ClinVar (database versions not stated): 1000 Genomes Project 30x 0.08401; TOPMed 0.11330; 1000 Genomes Project 0.08387.

Submission:

Gromoll Lab CeRA, University of Muenster
Classification: association for isolated follicle-stimulating hormone deficiency. Review status: no assertion criteria provided. Collection method: clinical testing. Allele origin: somatic. Affected: yes.
Comment: The T-allele of the variant was found to be associated with attenuated FSH serum levels. The study was conducted in hypergonadotropic setting of untreated non-mosaic Klinefelter (47,XXY) patients.

Literature cited by the submitters: PubMed 25052309; PubMed 22791757.